The following is an entry in ClinVar:

ClinVar aggregate classification (germline): Uncertain significance (1 of 4 stars; one submission).

Allele frequency attached by ClinVar (database versions not stated): ExAC 0.00004; gnomAD 0.00010.
gnomAD v4.1: 232 of 1,557,536 alleles (0.015%); highest among the groups gnomAD compares: East Asian, 0.55%; 2 homozygotes.

Submission:

Labcorp Genetics (formerly Invitae), Labcorp
Classification: Uncertain significance. Last evaluated: 2022-05-08. Review status: criteria provided, single submitter. Criteria: Invitae Variant Classification Sherloc (09022015). Collection method: clinical testing. Allele origin: germline.
Comment: This sequence change replaces threonine, which is neutral and polar, with alanine, which is neutral and non-polar, at codon 1267 of the MYO18B protein (p.Thr1267Ala). This variant is present in population databases (rs774889930, gnomAD 0.04%). This variant has not been reported in the literature in individuals affected with MYO18B-related conditions. Algorithms developed to predict the effect of missense changes on protein structure and function output the following: SIFT: "Not Available"; PolyPhen-2: "Benign"; Align-GVGD: "Not Available". The alanine amino acid residue is found in multiple mammalian species, which suggests that this missense change does not adversely affect protein function. In summary, the available evidence is currently insufficient to determine the role of this variant in disease. Therefore, it has been classified as a Variant of Uncertain Significance.

NM_032608.7(MYO18B):c.3799A>G (p.Thr1267Ala)

Gene: MYO18B (myosin XVIIIB; plus strand). Cytogenetic location: 22q12.1.
Variant type: single nucleotide variant.
Coding change: c.3799A>G on transcript NM_032608.7 (MANE Select); coding-DNA position 3799, A replaced by G.
Protein change: p.Thr1267Ala; replaces threonine 1267 with alanine.
Molecular consequence: missense variant.
Genome position (GRCh38, 1-based): chr22:25,851,493, A>G. VCF-style: chr22-25851493-A-G. GRCh37 (hg19) VCF-style: chr22-26247460-A-G.
Other names: c.3802A>G, p.Thr1268Ala (NM_001318245.2); short protein forms T1267A, T1268A.
Identifiers: ClinVar variation 2141141 (VCV002141141.1), dbSNP rs774889930, ClinGen allele CA10160655.
Genomic context (GRCh38, chr22:25,851,493, plus strand): 5'-CTCTGTGCTCTTCTCCTGCCTGCTCCTACCTCCCTAGGCTATGCTGACCACATGGGGCTC[A>G]CTCGCTTCCGCCGGCAATTCCAGGTGCTGGACGCTCCACTCCTGAAGAAGCTCATGTCGA-3'
Protein context (NP_115997.5, residues 1257-1277): RTGYADHMGL[Thr1267Ala]RFRRQFQVLD